The following is an entry in ClinVar:

ClinVar aggregate classification (germline): Uncertain significance. Review status: criteria provided, multiple submitters, no conflicts (2 of 4 stars). 2 submissions from 2 submitters: Uncertain significance (2). Last evaluated 2025-03-03.

Conditions:
Hereditary cancer-predisposing syndrome. Also called: Neoplastic Syndromes, Hereditary; Tumor predisposition; Hereditary neoplastic syndrome; Hereditary Cancer Syndrome. Identifiers: Orphanet 140162, MedGen C0027672, MeSH D009386, MONDO:0015356.
Cardiovascular phenotype. Identifiers: MedGen CN230736.

Submissions (2):

Labcorp Genetics (formerly Invitae), Labcorp
Classification: Uncertain significance. Last evaluated: 2025-03-03. Review status: criteria provided, single submitter. Criteria: Invitae Variant Classification Sherloc (09022015). Collection method: clinical testing. Allele origin: germline.
Comment: This sequence change replaces phenylalanine, which is neutral and non-polar, with leucine, which is neutral and non-polar, at codon 617 of the LZTR1 protein (p.Phe617Leu). This variant is not present in population databases (gnomAD no frequency). This variant has not been reported in the literature in individuals affected with LZTR1-related conditions. ClinVar contains an entry for this variant (Variation ID: 3238148). Invitae Evidence Modeling of protein sequence and biophysical properties (such as structural, functional, and spatial information, amino acid conservation, physicochemical variation, residue mobility, and thermodynamic stability) indicates that this missense variant is not expected to disrupt LZTR1 protein function with a negative predictive value of 80%. In summary, the available evidence is currently insufficient to determine the role of this variant in disease. Therefore, it has been classified as a Variant of Uncertain Significance.

Ambry Genetics
Classification: Uncertain significance for Cardiovascular phenotype; Hereditary cancer-predisposing syndrome. Last evaluated: 2023-09-29. Review status: criteria provided, single submitter. Criteria: Ambry Variant Classification Scheme 2023. Collection method: clinical testing. Allele origin: germline.
Comment: The p.F617L variant (also known as c.1849T>C), located in coding exon 16 of the LZTR1 gene, results from a T to C substitution at nucleotide position 1849. The phenylalanine at codon 617 is replaced by leucine, an amino acid with highly similar properties. This amino acid position is conserved. In addition, this alteration is predicted to be deleterious by in silico analysis. Since supporting evidence is limited at this time, the clinical significance of this alteration remains unclear.

NM_006767.4(LZTR1):c.1849T>C (p.Phe617Leu)

Gene: LZTR1 (leucine zipper like post translational regulator 1; plus strand). Cytogenetic location: 22q11.21.
Variant type: single nucleotide variant.
Coding change: c.1849T>C on transcript NM_006767.4 (MANE Select); coding-DNA position 1849, T replaced by C.
Protein change: p.Phe617Leu; replaces phenylalanine 617 with leucine.
Molecular consequence: missense variant.
Genome position (GRCh38, 1-based): chr22:20,994,933, T>C. VCF-style: chr22-20994933-T-C. GRCh37 (hg19) VCF-style: chr22-21349222-T-C.
Other names: short protein forms F617L.
Identifiers: ClinVar variation 3238148 (VCV003238148.2), dbSNP rs774354985.
Genomic context (GRCh38, chr22:20,994,933, plus strand): 5'-CACTGCCTGAACTTCGTGGTAAAGGAGTCCCACTTCAACCAGGTGATCATGATGAAGGAG[T>C]TCGAGCGCCTCTCCTCTCCACTGATAGTGGAGATTGTGCGGCGGAAGCAGCAGCCGCCCC-3'
Protein context (NP_006758.2, residues 607-627): HFNQVIMMKE[Phe617Leu]ERLSSPLIVE